The following is an entry in ClinVar:

NM_001009944.3(PKD1):c.8152_8156del (p.Asn2718fs)

Gene: PKD1 (polycystin 1, transient receptor potential channel interacting; minus strand). Cytogenetic location: 16p13.3.
Variant type: Deletion.
Coding change: c.8152_8156del on transcript NM_001009944.3 (MANE Select); coding-DNA positions 8152 to 8156, 5 bases deleted (AACAT; older notation c.8152_8156delAACAT).
Protein change: p.Asn2718fs; shifts the reading frame from asparagine 2718.
Molecular consequence: frameshift variant.
Genome position (GRCh38, 1-based): chr16:2,104,503-2,104,507, ATGTT deleted on the plus strand (AACAT on the coding strand, the reverse complement: PKD1 is on the minus strand). VCF-style (leftmost placement, unchanged base first): chr16-2104502-GATGTT-G. GRCh37 (hg19) VCF-style: chr16-2154503-GATGTT-G.
Other names: c.8152_8156del, p.Asn2718fs (NM_000296.4); short protein forms N2718fs.
Identifiers: ClinVar variation 3335887 (VCV003335887.2).

ClinVar aggregate classification (germline): Pathogenic (1 of 4 stars; one submission).

Conditions:
Polycystic kidney disease, adult type (PKD1). Also called: Polycystic Kidney, Autosomal Dominant; POLYCYSTIC KIDNEY DISEASE 1 WITH OR WITHOUT POLYCYSTIC LIVER DISEASE; POLYCYSTIC KIDNEY DISEASE, ADULT, TYPE I; Polycystic Kidney Disease 1, Autosomal Dominant; Polycystic kidney disease 1; Polycystic kidney disease 1, severe. Identifiers: MedGen C3149841, MONDO:0008263, OMIM 173900.

Submission:

Juno Genomics, Hangzhou Juno Genomics, Inc
Classification: Pathogenic for Polycystic kidney disease, adult type. Review status: criteria provided, single submitter. Criteria: ACMG Guidelines, 2015. Collection method: clinical testing. Allele origin: germline. Affected: yes.
Comment: Null variant in a gene where loss of function (LOF) is a known mechanism of disease.;Absent from controls (or at extremely low frequency if recessive) in Genome Aggregation Database, Exome Sequencing Project, 1000 Genomes Project, or Exome Aggregation Consortium.;Patient's phenotype or family history is highly specific for a disease with a single genetic etiology.